The following is an entry in ClinVar:

ClinVar aggregate classification (germline): Uncertain significance (1 of 4 stars; one submission).

Conditions:
Primary ciliary dyskinesia 27. Also called: CILIARY DYSKINESIA, PRIMARY, 27, WITHOUT SITUS INVERSUS. Identifiers: Orphanet 244, MedGen C3809701, MONDO:0014215, OMIM 615504.

Allele frequency attached by ClinVar (database versions not stated): gnomAD exomes below 0.00001; TOPMed below 0.00001; gnomAD 0.00001.
gnomAD v4.1: 4 of 1,613,974 alleles (0.00025%); highest among the groups gnomAD compares: Admixed American, 0.0017%; no homozygotes.

Submission:

Labcorp Genetics (formerly Invitae), Labcorp
Classification: Uncertain significance for Primary ciliary dyskinesia 27. Last evaluated: 2023-12-12. Review status: criteria provided, single submitter. Criteria: Invitae Variant Classification Sherloc (09022015). Collection method: clinical testing. Allele origin: germline.
Comment: This sequence change replaces leucine, which is neutral and non-polar, with isoleucine, which is neutral and non-polar, at codon 19 of the CCDC65 protein (p.Leu19Ile). This variant is present in population databases (no rsID available, gnomAD 0.01%). This variant has not been reported in the literature in individuals affected with CCDC65-related conditions. An algorithm developed to predict the effect of missense changes on protein structure and function (PolyPhen-2) suggests that this variant is likely to be disruptive. In summary, the available evidence is currently insufficient to determine the role of this variant in disease. Therefore, it has been classified as a Variant of Uncertain Significance.

NM_033124.5(DRC2):c.55C>A (p.Leu19Ile)

Gene: DRC2 (dynein regulatory complex subunit 2; plus strand). Cytogenetic location: 12q13.12.
Variant type: single nucleotide variant.
Coding change: c.55C>A on transcript NM_033124.5 (MANE Select); coding-DNA position 55, C replaced by A.
Protein change: p.Leu19Ile; replaces leucine 19 with isoleucine.
Molecular consequence: missense variant. On other transcripts: 5 prime UTR variant (1).
Genome position (GRCh38, 1-based): chr12:48,904,391, C>A. VCF-style: chr12-48904391-C-A. GRCh37 (hg19) VCF-style: chr12-49298174-C-A.
Other names: c.-335C>A (NM_001286957.2); short protein forms L19I.
Identifiers: ClinVar variation 2919022 (VCV002919022.1), dbSNP rs1211081021, ClinGen allele CA384652489.